The following is an entry in ClinVar:

NM_001042432.2(CLN3):c.125G>A (p.Trp42Ter)

Gene: CLN3 (CLN3 lysosomal/endosomal transmembrane protein, battenin; minus strand). Cytogenetic location: 16p12.1.
Variant type: single nucleotide variant.
Coding change: c.125G>A on transcript NM_001042432.2 (MANE Select); coding-DNA position 125, G replaced by A.
Protein change: p.Trp42Ter; replaces tryptophan 42 with a stop codon.
Molecular consequence: nonsense. On other transcripts: intron variant (3).
Genome position (GRCh38, 1-based): chr16:28,491,482, C>T on the plus strand (G>A on the coding strand, the complement: CLN3 is on the minus strand). VCF-style: chr16-28491482-C-T. GRCh37 (hg19) VCF-style: chr16-28502803-C-T.
Other names: c.125G>A, p.Trp42Ter (NM_000086.2, NM_001286104.2); c.-38+232G>A (NM_001286109.2, NM_001286110.2); c.-96+232G>A (NM_001286105.2); short protein forms W42*.
Identifiers: ClinVar variation 4817030 (VCV004817030.1).

ClinVar aggregate classification (germline): Likely pathogenic (1 of 4 stars; one submission).

Conditions:
Juvenile neuronal ceroid lipofuscinosis. Also called: Batten Disease. Identifiers: Orphanet 79264, MedGen CN293564, MONDO:0019262.

Submission:

Natera, Inc.
Classification: Likely pathogenic for Batten Disease. Last evaluated: 2026-01-13. Review status: criteria provided, single submitter. Criteria: Natera Variant Classification Schema (03/2026). Collection method: clinical testing. Allele origin: germline.
Comment: The c.125G>A variant in CLN3 is a nonsense variant predicted to introduce a stop codon at amino acid 42. This variant is expected to result in nonsense mediated decay, truncation, or a dysfunctional protein product. This variant is rare in the general population with a frequency below the threshold expected for the associated phenotype(s). Given the available evidence, this variant is classified as Likely Pathogenic.